The following is an entry in ClinVar:

ClinVar aggregate classification (germline): Pathogenic/Likely pathogenic. Review status: criteria provided, multiple submitters, no conflicts (2 of 4 stars). 2 submissions from 2 submitters: Pathogenic (1); Likely pathogenic (1). Last evaluated 2022-12-27.

Conditions:
Marfan Syndrome/Loeys-Dietz Syndrome/Familial Thoracic Aortic Aneurysms and Dissections. Identifiers: MedGen CN229799.
Marfan syndrome (MFS). Also called: Marfan's syndrome; Marfan syndrome, classic; MARFAN SYNDROME, TYPE I; Marfan syndrome type 1; FBN1-Related Marfan Syndrome. Identifiers: Orphanet 284963, Orphanet 558, MedGen C0024796, MONDO:0007947, OMIM 154700.
Familial thoracic aortic aneurysm and aortic dissection (TAAD). Also called: Thoracic aortic aneurysms and dissections. Identifiers: Orphanet 91387, MedGen C4707243, MONDO:0019625.

Submissions (2):

Women's Health and Genetics/Laboratory Corporation of America, LabCorp
Classification: Likely pathogenic for Marfan Syndrome/Loeys-Dietz Syndrome/Familial Thoracic Aortic Aneurysms and Dissections. Last evaluated: 2022-12-27. Review status: criteria provided, single submitter. Criteria: LabCorp Variant Classification Summary - May 2015. Collection method: clinical testing. Allele origin: germline.
Comment: Variant summary: FBN1 c.1520delA (p.Asn507ThrfsX72) results in a premature termination codon, predicted to cause a truncation of the encoded protein or absence of the protein due to nonsense mediated decay, which are commonly known mechanisms for disease. Truncations downstream of this position have been classified as pathogenic by our laboratory. The variant was absent in 251280 control chromosomes (gnomAD). To our knowledge, no occurrence of c.1520delA in individuals affected with Marfan Syndrome and no experimental evidence demonstrating its impact on protein function have been reported. No clinical diagnostic laboratories have submitted clinical-significance assessments for this variant to ClinVar after 2014. Based on the evidence outlined above, the variant was classified as likely pathogenic.

Labcorp Genetics (formerly Invitae), Labcorp
Classification: Pathogenic for Marfan syndrome; Familial thoracic aortic aneurysm and aortic dissection. Last evaluated: 2022-10-07. Review status: criteria provided, single submitter. Criteria: Invitae Variant Classification Sherloc (09022015). Collection method: clinical testing. Allele origin: germline.
Comment: This sequence change creates a premature translational stop signal (p.Asn507Thrfs*72) in the FBN1 gene. It is expected to result in an absent or disrupted protein product. Loss-of-function variants in FBN1 are known to be pathogenic (PMID: 17657824, 19293843). This variant is not present in population databases (gnomAD no frequency). This variant has not been reported in the literature in individuals affected with FBN1-related conditions. For these reasons, this variant has been classified as Pathogenic.

Literature cited by the submitters: PubMed 17657824 (cited by Labcorp Genetics (formerly Invitae), Labcorp); PubMed 19293843 (cited by Labcorp Genetics (formerly Invitae), Labcorp).

NM_000138.5(FBN1):c.1520del (p.Asn507fs)

Gene: FBN1 (fibrillin 1; minus strand). Cytogenetic location: 15q21.1.
Variant type: Deletion.
Coding change: c.1520del on transcript NM_000138.5 (MANE Select); coding-DNA position 1520, one base deleted (A; older notation c.1520delA).
Protein change: p.Asn507fs; shifts the reading frame from asparagine 507.
Molecular consequence: frameshift variant.
Genome position (GRCh38, 1-based): chr15:48,513,617, T deleted on the plus strand (A on the coding strand, the reverse complement: FBN1 is on the minus strand); the first of 2 consecutive T bases (chr15:48,513,617-48,513,618); deleting either gives the same sequence. VCF-style (leftmost placement, unchanged base first): chr15-48513616-GT-G. GRCh37 (hg19) VCF-style: chr15-48805813-GT-G.
Other names: c.1519delA, p.Asn507Thrfs (NM_001406716.1); c.1520delA (NM_000138.4); short protein forms N507fs.
Identifiers: ClinVar variation 1878388 (VCV001878388.6), dbSNP rs2505613882, ClinGen allele CA2580089675.